The following is an entry in ClinVar:

ClinVar aggregate classification (germline): Likely benign (1 of 4 stars; one submission).

gnomAD v4.1: 32 of 1,613,840 alleles (0.002%); highest among the groups gnomAD compares: Admixed American, 0.053%; no homozygotes.

Submission:

CeGaT Center for Human Genetics Tuebingen
Classification: Likely benign. Last evaluated: 2026-02-01. Review status: criteria provided, single submitter. Criteria: CeGaT Center For Human Genetics Tuebingen Variant Classification Criteria Version 2. Collection method: clinical testing. Allele origin: germline. Affected: yes. Observed: 1 variant allele.
Comment: CCDC32: BP4, BP7

NM_001080792.4(CCDC32):c.228G>A (p.Val76=)

Gene: CCDC32 (coiled-coil domain containing 32; minus strand). Cytogenetic location: 15q15.1.
Variant type: single nucleotide variant.
Coding change: c.228G>A on transcript NM_001080792.4 (MANE Select); coding-DNA position 228, G replaced by A.
Protein change: p.Val76=; no amino-acid change (valine 76 retained).
Molecular consequence: synonymous variant.
Genome position (GRCh38, 1-based): chr15:40,562,788, C>T on the plus strand (G>A on the coding strand, the complement: CCDC32 is on the minus strand). VCF-style: chr15-40562788-C-T. GRCh37 (hg19) VCF-style: chr15-40854987-C-T.
Other names: c.228G>A, p.Val76= (NM_001080791.4, NM_001289132.2, NM_001382434.1 and 9 more transcripts).
Identifiers: ClinVar variation 4822201 (VCV004822201.4).